The following is an entry in ClinVar:

NM_000169.3(GLA):c.909_918del (p.Ile303fs)

Genes: GLA (galactosidase alpha; minus strand), RPL36A-HNRNPH2 (RPL36A-HNRNPH2 readthrough; plus strand). Cytogenetic location: Xq22.1.
Variant type: Deletion.
Coding change: c.909_918del on transcript NM_000169.3 (MANE Select); coding-DNA positions 909 to 918, 10 bases deleted (CAGCCCTCAA; older notation c.909_918delCAGCCCTCAA).
Protein change: p.Ile303fs; shifts the reading frame from isoleucine 303.
Molecular consequence: frameshift variant. On other transcripts: non-coding transcript variant (3), intron variant (2).
Genome position (GRCh38, 1-based): chrX:101,398,451-101,398,460, TTGAGGGCTG deleted on the plus strand (CAGCCCTCAA on the coding strand, the reverse complement: GLA is on the minus strand). VCF-style (leftmost placement, unchanged base first): chrX-101398450-CTTGAGGGCTG-C. GRCh37 (hg19) VCF-style: chrX-100653438-CTTGAGGGCTG-C.
Other names: c.1032_1041del, p.Ile344fs (NM_001406747.1); c.909_918del, p.Ile303fs (NM_001406748.1); c.300+2994_300+3003del (NM_001199973.2); c.177+6629_177+6638del (NM_001199974.2); short protein forms I303fs, I344fs.
Identifiers: ClinVar variation 4087024 (VCV004087024.2).

ClinVar aggregate classification (germline): Pathogenic (1 of 4 stars; one submission).

Conditions:
Fabry disease. Also called: ALPHA-GALACTOSIDASE A DEFICIENCY; ANDERSON-FABRY DISEASE; CERAMIDE TRIHEXOSIDASE DEFICIENCY; GLA DEFICIENCY; HEREDITARY DYSTOPIC LIPIDOSIS; Angiokeratoma corporis diffusum. Identifiers: Orphanet 324, MedGen C0002986, MONDO:0010526, OMIM 301500, HP:0001071. Disease mechanism: Fabry disease is due to inactivating mutations in the X-linked GLA gene resulting in deficiency of the enzyme Alpha Galactosidase-A., loss of function.

Submission:

Genomenon, Inc
Classification: Pathogenic for Fabry disease. Last evaluated: 2026-09-08. Review status: criteria provided, single submitter. Criteria: Genomenon Sequence Variant Interpretation Standards - Updated. Collection method: curation. Allele origin: germline. Affected: yes.
Comment: GLA p.Ile303MetfsTer11 (c.909_918del) is a frameshift variant that is predicted to introduce a premature termination codon and result in a truncated or absent protein product. This variant has been observed in at least one proband with clinical features consistent with Fabry disease (PMID:11668641). It is absent or not present at a significant frequency in gnomAD. In conclusion, we classify GLA p.Ile303MetfsTer11 (c.909_918del) as a pathogenic variant.

Literature cited by the submitters: PubMed 11668641.